The following is an entry in ClinVar:

ClinVar aggregate classification (germline): Conflicting classifications of pathogenicity. Review status: criteria provided, conflicting classifications (1 of 4 stars). 3 submissions from 3 submitters: Uncertain significance (1); Likely benign (1). 1 of the submissions does not count toward it. Last evaluated 2026-04-29.

Conditions:
Inborn genetic diseases. Identifiers: MedGen C0950123, MeSH D030342.

Allele frequency attached by ClinVar (database versions not stated): gnomAD 0.00001; TOPMed 0.00002; ExAC 0.00005; gnomAD exomes 0.00007.
gnomAD v4.1: 29 of 1,612,844 alleles (0.0018%); highest among the groups gnomAD compares: Admixed American, 0.023%; no homozygotes.

Submissions (3):

Women's Health and Genetics/Laboratory Corporation of America, LabCorp
Classification: Uncertain significance. Last evaluated: 2026-04-29. Review status: criteria provided, single submitter. Criteria: LabCorp Variant Classification Summary - May 2015. Collection method: clinical testing. Allele origin: germline.
Comment: Variant summary: CIC c.1927G>A (p.Gly643Ser) results in a non-conservative amino acid change in the encoded protein sequence. Algorithms developed to predict the effect of missense changes on protein structure and function are either unavailable or do not agree on the potential impact of this missense change. The variant allele was found at a frequency of 6.5e-05 in 245786 control chromosomes. This frequency is not significantly higher than estimated for disease-causing variants in CIC, allowing no conclusion about variant significance. To our knowledge, no occurrence of c.1927G>A in individuals affected with CIC-related conditions and no experimental evidence demonstrating its impact on protein function have been reported. ClinVar contains an entry for this variant (Variation ID: 133903). Based on the evidence outlined above, the variant was classified as uncertain significance.

Ambry Genetics
Classification: Likely benign for Inborn genetic diseases. Last evaluated: 2022-12-15. Review status: criteria provided, single submitter. Criteria: Ambry Variant Classification Scheme 2023. Collection method: clinical testing. Allele origin: germline.

ITMI
No classification provided. Condition: AllHighlyPenetrant. Last evaluated: 2013-09-19. Review status: no classification provided. Collection method: reference population. Allele origin: germline. Not counted in ClinVar's aggregate classification.
Comment: Please see associated publication for description of ethnicities

Literature cited by the submitters: PubMed 24728327 (cited by ITMI).

NM_001386298.1(CIC):c.4654G>A (p.Gly1552Ser)

Gene: CIC (capicua transcriptional repressor; plus strand). Cytogenetic location: 19q13.2.
Variant type: single nucleotide variant.
Coding change: c.4654G>A on transcript NM_001386298.1 (MANE Select); coding-DNA position 4654, G replaced by A.
Protein change: p.Gly1552Ser; replaces glycine 1552 with serine.
Molecular consequence: missense variant.
Genome position (GRCh38, 1-based): chr19:42,290,695, G>A. VCF-style: chr19-42290695-G-A. GRCh37 (hg19) VCF-style: chr19-42794847-G-A.
Other names: c.1927G>A (NM_015125.3); c.4654G>A, p.Gly1552Ser (NM_001304815.2, NM_001379480.1, NM_001379482.1); c.1927G>A, p.Gly643Ser (NM_001379484.1, NM_001379485.1, NM_015125.5); short protein forms G643S, G1552S.
Identifiers: ClinVar variation 133903 (VCV000133903.4), dbSNP rs587778199, ClinGen allele CA158124.